The following is an entry in ClinVar:

NM_000137.4(FAH):c.81+1G>T

Gene: FAH (fumarylacetoacetate hydrolase; plus strand). Cytogenetic location: 15q25.1.
Variant type: single nucleotide variant.
Coding change: c.81+1G>T on transcript NM_000137.4 (MANE Select); the canonical splice donor site of the intron after coding-DNA position 81, G replaced by T.
Molecular consequence: splice donor variant.
Genome position (GRCh38, 1-based): chr15:80,153,136, G>T. VCF-style: chr15-80153136-G-T. GRCh37 (hg19) VCF-style: chr15-80445478-G-T.
Other names: c.81+1G>T (NM_001374377.1, NM_001374380.1).
Identifiers: ClinVar variation 4817562 (VCV004817562.1).

ClinVar aggregate classification (germline): Likely pathogenic (1 of 4 stars; one submission).

Conditions:
Tyrosinemia type I (TYRSN1). Also called: Tyrosinemia type 1; Fumarylacetoacetase deficiency; Deficiency of fumarylacetoacetase; HEPATORENAL TYROSINEMIA; FAH DEFICIENCY. Identifiers: Orphanet 882, MedGen C0268490, MONDO:0010161, OMIM 276700. Disease mechanism: loss of function.

Submission:

Natera, Inc.
Classification: Likely pathogenic for Tyrosinemia type I. Last evaluated: 2024-04-30. Review status: criteria provided, single submitter. Criteria: Natera Variant Classification Schema (03/2026). Collection method: clinical testing. Allele origin: germline.
Comment: The c.81+1G>T variant in FAH is a canonical splice donor site variant predicted to affect pre-mRNA splicing, which may result in an abnormal transcript and altered protein product. This variant is expected to result in nonsense mediated decay, truncation, or a dysfunctional protein product. This variant is rare in the general population with a frequency below the threshold expected for the associated phenotype(s). Given the available evidence, this variant is classified as Likely Pathogenic.